The following is an entry in ClinVar:

ClinVar aggregate classification (germline): Likely pathogenic (1 of 4 stars; one submission).

Conditions:
Mitochondrial complex I deficiency, nuclear type 16. Also called: Mitochondrial complex 1 deficiency, nuclear type 16. Identifiers: MedGen C4748785, MONDO:0032621, OMIM 618238.

Submission:

Pediatric Department, Xiangya Hospital, Central South University
Classification: Likely pathogenic for Mitochondrial complex I deficiency, nuclear type 16. Review status: criteria provided, single submitter. Criteria: ACMG Guidelines, 2015. Collection method: clinical testing. Allele origin: paternal. Inheritance: Autosomal recessive inheritance. Affected: yes.
Comment: This variant was observed in compound heterozygosity with variant (c.155A>C)

NM_024120.5(NDUFAF5):c.752T>G (p.Met251Arg)

Gene: NDUFAF5 (NADH:ubiquinone oxidoreductase complex assembly factor 5; plus strand). Cytogenetic location: 20p12.1.
Variant type: single nucleotide variant.
Coding change: c.752T>G on transcript NM_024120.5 (MANE Select); coding-DNA position 752, T replaced by G.
Protein change: p.Met251Arg; replaces methionine 251 with arginine.
Molecular consequence: missense variant. On other transcripts: non-coding transcript variant (7).
Genome position (GRCh38, 1-based): chr20:13,808,876, T>G. VCF-style: chr20-13808876-T-G. GRCh37 (hg19) VCF-style: chr20-13789522-T-G.
Other names: c.668T>G, p.Met223Arg (NM_001039375.3); c.281T>G, p.Met94Arg (NM_001352403.2); c.191T>G, p.Met64Arg (NM_001352406.2, NM_001352407.2); short protein forms M223R, M251R, M64R, M94R.
Identifiers: ClinVar variation 1802978 (VCV001802978.1), dbSNP rs200199681, ClinGen allele CA408271935.